The following is an entry in ClinVar:

NM_000135.4(FANCA):c.2660A>T (p.Asp887Val)

Genes: FANCA (FA complementation group A; minus strand), LOC130059837 (ATAC-STARR-seq lymphoblastoid active region 11420; plus strand). Cytogenetic location: 16q24.3.
Variant type: single nucleotide variant.
Coding change: c.2660A>T on transcript NM_000135.4 (MANE Select); coding-DNA position 2660, A replaced by T.
Protein change: p.Asp887Val; replaces aspartic acid 887 with valine.
Molecular consequence: missense variant.
Genome position (GRCh38, 1-based): chr16:89,765,008, T>A on the plus strand (A>T on the coding strand, the complement: FANCA is on the minus strand). VCF-style: chr16-89765008-T-A. GRCh37 (hg19) VCF-style: chr16-89831416-T-A.
Other names: c.2660A>T, p.Asp887Val (NM_001286167.3); short protein forms D887V.
Identifiers: ClinVar variation 4824587 (VCV004824587.1).

ClinVar aggregate classification (germline): Uncertain significance (1 of 4 stars; one submission).

Conditions:
Inborn genetic diseases. Identifiers: MedGen C0950123, MeSH D030342.

Submission:

Ambry Genetics
Classification: Uncertain significance for Inborn genetic diseases. Last evaluated: 2026-01-20. Review status: criteria provided, single submitter. Criteria: Ambry Variant Classification Scheme 2023. Collection method: clinical testing. Allele origin: germline.
Comment: The p.D887V variant (also known as c.2660A>T), located in coding exon 28 of the FANCA gene, results from an A to T substitution at nucleotide position 2660. The aspartic acid at codon 887 is replaced by valine, an amino acid with highly dissimilar properties. This amino acid position is conserved. In addition, this alteration is predicted to be tolerated by in silico analysis. Based on the available evidence, the clinical significance of this variant remains unclear.